The following is an entry in ClinVar:

NM_000465.4(BARD1):c.365-5G>C

Gene: BARD1 (BRCA1 associated RING domain 1; minus strand). Cytogenetic location: 2q35.
Variant type: single nucleotide variant.
Coding change: c.365-5G>C on transcript NM_000465.4 (MANE Select); 5 bases into the intron before coding-DNA position 365, G replaced by C.
Molecular consequence: intron variant.
Genome position (GRCh38, 1-based): chr2:214,781,514, C>G on the plus strand (G>C on the coding strand, the complement: BARD1 is on the minus strand). VCF-style: chr2-214781514-C-G. GRCh37 (hg19) VCF-style: chr2-215646238-C-G.
Other names: c.158+27898G>C (NM_001282548.2); c.308-5G>C (NM_001282543.2); c.215+15547G>C (NM_001282545.2); c.364+10783G>C (NM_001282549.2).
Identifiers: ClinVar variation 5032811 (VCV005032811.1).
Genomic context (GRCh38, chr2:214,781,514, plus strand): 5'-CTTCTTGTTTCCTGCATCATTAAACAAACTTTTCCTAGGTTTATCTTCTTTCAAATCTGA[C>G]AGAAAAAAAGAAAAAGAAATCTGTTACATGAAATTTATTGCTCCCACATGGAGCTCCCGA-3'

ClinVar aggregate classification (germline): Uncertain significance (1 of 4 stars; one submission).

Conditions:
Hereditary cancer-predisposing syndrome. Also called: Neoplastic Syndromes, Hereditary; Tumor predisposition; Hereditary neoplastic syndrome; Hereditary Cancer Syndrome. Identifiers: Orphanet 140162, MedGen C0027672, MeSH D009386, MONDO:0015356.

Submission:

Ambry Genetics
Classification: Uncertain significance for Hereditary cancer-predisposing syndrome. Last evaluated: 2026-08-14. Review status: criteria provided, single submitter. Criteria: Ambry Variant Classification Scheme 2023. Collection method: clinical testing. Allele origin: germline.
Comment: The c.365-5G>C intronic variant results from a G to C substitution 5 nucleotides upstream from coding exon 4 in the BARD1 gene. This nucleotide position is poorly conserved in available vertebrate species. In silico splice site analysis predicts that this alteration will not have any significant effect on splicing. Based on the available evidence, the clinical significance of this variant remains unclear.